The following is an entry in ClinVar:

NM_001354483.2(CSGALNACT1):c.1329C>T (p.Ile443=)

Gene: CSGALNACT1 (chondroitin sulfate N-acetylgalactosaminyltransferase 1; minus strand). Cytogenetic location: 8p21.3.
Variant type: single nucleotide variant.
Coding change: c.1329C>T on transcript NM_001354483.2 (MANE Select); coding-DNA position 1329, C replaced by T.
Protein change: p.Ile443=; no amino-acid change (isoleucine 443 retained).
Molecular consequence: synonymous variant. On other transcripts: non-coding transcript variant (7).
Genome position (GRCh38, 1-based): chr8:19,406,050, G>A on the plus strand (C>T on the coding strand, the complement: CSGALNACT1 is on the minus strand). VCF-style: chr8-19406050-G-A. GRCh37 (hg19) VCF-style: chr8-19263561-G-A.
Other names: c.1329C>T, p.Ile443= (NM_001130518.2, NM_001354475.2, NM_001354476.2 and 18 more transcripts); c.1329C>T (NM_001130518.1).
Identifiers: ClinVar variation 1672776 (VCV001672776.9), dbSNP rs770746234, ClinGen allele CA4653794.

ClinVar aggregate classification (germline): Likely benign. Review status: criteria provided, multiple submitters, no conflicts (2 of 4 stars). 2 submissions from 2 submitters: Likely benign (2). Last evaluated 2024-12-18.

Conditions:
CSGALNACT1-related disorder. Also called: CSGALNACT1-related condition.

Allele frequency attached by ClinVar (database versions not stated): ExAC 0.00001; gnomAD 0.00001; gnomAD exomes 0.00001; TOPMed 0.00002.
gnomAD v4.1: 34 of 1,614,020 alleles (0.0021%); highest among the groups gnomAD compares: Admixed American, 0.005%; no homozygotes.

Submissions (2):

PreventionGenetics, part of Exact Sciences
Classification: Likely benign for CSGALNACT1-related condition. Last evaluated: 2024-12-18. Review status: criteria provided, single submitter. Criteria: ACMG Guidelines, 2015. Collection method: clinical testing. Allele origin: germline.
Comment: This variant is classified as likely benign based on ACMG/AMP sequence variant interpretation guidelines (Richards et al. 2015 PMID: 25741868, with internal and published modifications).

Labcorp Genetics (formerly Invitae), Labcorp
Classification: Likely benign. Last evaluated: 2022-12-14. Review status: criteria provided, single submitter. Criteria: Invitae Variant Classification Sherloc (09022015). Collection method: clinical testing. Allele origin: germline.